The following is an entry in ClinVar:

ClinVar aggregate classification (germline): Pathogenic (1 of 4 stars; one submission).

Conditions:
Arrhythmogenic cardiomyopathy with wooly hair and keratoderma. Also called: Carvajal syndrome; PALMOPLANTAR KERATODERMA WITH LEFT VENTRICULAR CARDIOMYOPATHY AND WOOLLY HAIR; Dilated cardiomyopathy with woolly hair and keratoderma; Arrhythmogenic cardiomyopathy with woolly hair and keratoderma. Identifiers: Orphanet 65282, MedGen C1854063, MONDO:0011581, OMIM 605676.
Arrhythmogenic right ventricular dysplasia 8 (ARVD8). Also called: Arrhythmogenic Right Ventricular Dysplasia/Cardiomyopathy 8; ARRHYTHMOGENIC RIGHT VENTRICULAR DYSPLASIA, FAMILIAL, 8; ARRHYTHMOGENIC RIGHT VENTRICULAR CARDIOMYOPATHY 8. Identifiers: MedGen C1843896, MONDO:0011831, OMIM 607450.

Submission:

Labcorp Genetics (formerly Invitae), Labcorp
Classification: Pathogenic for Arrhythmogenic cardiomyopathy with wooly hair and keratoderma; Arrhythmogenic right ventricular dysplasia 8. Last evaluated: 2025-07-22. Review status: criteria provided, single submitter. Criteria: Invitae Variant Classification Sherloc (09022015). Collection method: clinical testing. Allele origin: germline.
Comment: This sequence change creates a premature translational stop signal (p.Gln1266*) in the DSP gene. It is expected to result in an absent or disrupted protein product. Loss-of-function variants in DSP are known to be pathogenic (PMID: 20716751, 24503780, 25227139). This variant is not present in population databases (gnomAD no frequency). This variant has not been reported in the literature in individuals affected with DSP-related conditions. For these reasons, this variant has been classified as Pathogenic.

Literature cited by the submitters: PubMed 20716751; PubMed 24503780; PubMed 25227139.

NM_004415.4(DSP):c.3796C>T (p.Gln1266Ter)

Gene: DSP (desmoplakin; plus strand). Cytogenetic location: 6p24.3.
Variant type: single nucleotide variant.
Coding change: c.3796C>T on transcript NM_004415.4 (MANE Select); coding-DNA position 3796, C replaced by T.
Protein change: p.Gln1266Ter; replaces glutamine 1266 with a stop codon.
Molecular consequence: nonsense. On other transcripts: intron variant (1).
Genome position (GRCh38, 1-based): chr6:7,579,986, C>T. VCF-style: chr6-7579986-C-T. GRCh37 (hg19) VCF-style: chr6-7580219-C-T.
Other names: c.3796C>T, p.Gln1266Ter (NM_001319034.2); c.3582+214C>T (NM_001008844.3); short protein forms Q1266*.
Identifiers: ClinVar variation 4785657 (VCV004785657.1).